The following is an entry in ClinVar:

ClinVar aggregate classification (germline): Pathogenic (1 of 4 stars; one submission).

Submission:

ISCA Site 6
Classification: Pathogenic. Last evaluated: 2011-08-12. Review status: criteria provided, single submitter. Criteria: Kaminsky et al. (Genet Med. 2011). Collection method: clinical testing. Allele origin: unknown. Affected: yes. Observed: 1 variant allele.
Comment: Copy number variation identified through the course of routine clinical cytogenomic testing in postnatal populations. Clinical assertions have been curated as described in Kaminsky et al. 2011.

GRCh38/hg38 17p11.2(chr17:16858444-20340442)x1

Genes: MAPK7 (mitogen-activated protein kinase 7; plus strand), MED9 (mediator complex subunit 9; plus strand), MFAP4 (microfibril associated protein 4; minus strand), MIEF2 (mitochondrial elongation factor 2; plus strand), MIR1180 (microRNA 1180; minus strand) and 239 more. Cytogenetic location: 17p11.2.
Variant type: copy number loss.
Change: copy number 1 (one copy instead of two) of chr17:16,858,444-20,340,442 (3.48 Mb, GRCh38 coordinates, 1-based), cytogenetic band 17p11.2.
Identifiers: ClinVar variation 60456 (VCV000060456.2).